The following is an entry in ClinVar:

NM_002334.4(LRP4):c.3829C>T (p.Arg1277Cys)

Gene: LRP4 (LDL receptor related protein 4; minus strand). Cytogenetic location: 11p11.2.
Variant type: single nucleotide variant.
Coding change: c.3829C>T on transcript NM_002334.4 (MANE Select); coding-DNA position 3829, C replaced by T.
Protein change: p.Arg1277Cys; replaces arginine 1277 with cysteine.
Molecular consequence: missense variant.
Genome position (GRCh38, 1-based): chr11:46,875,552, G>A on the plus strand (C>T on the coding strand, the complement: LRP4 is on the minus strand). VCF-style: chr11-46875552-G-A. GRCh37 (hg19) VCF-style: chr11-46897103-G-A.
Other names: short protein forms R1277C.
Identifiers: ClinVar variation 2189772 (VCV002189772.4), dbSNP rs1379220217, ClinGen allele CA380272507.

ClinVar aggregate classification (germline): Uncertain significance (1 of 4 stars; one submission).

Conditions:
Congenital myasthenic syndrome 17. Identifiers: Orphanet 590, MedGen C4225377, MONDO:0014578, OMIM 616304.
Sclerosteosis 2 (SOST2). Identifiers: Orphanet 3152, MedGen C3280402, MONDO:0013679, OMIM 614305.
Cenani-Lenz syndactyly syndrome. Also called: CENANI SYNDACTYLISM; SYNDACTYLY, TYPE VII. Identifiers: Orphanet 3258, MedGen C1859309, MONDO:0008931, OMIM 212780.

Allele frequency attached by ClinVar (database versions not stated): TOPMed below 0.00001.
gnomAD v4.1: 9 of 1,614,116 alleles (0.00056%); highest among the groups gnomAD compares: African/African-American, 0.0013%; no homozygotes.

Submission:

Labcorp Genetics (formerly Invitae), Labcorp
Classification: Uncertain significance for Cenani-Lenz syndactyly syndrome; Sclerosteosis 2; Congenital myasthenic syndrome 17. Last evaluated: 2022-07-25. Review status: criteria provided, single submitter. Criteria: Invitae Variant Classification Sherloc (09022015). Collection method: clinical testing. Allele origin: germline.
Comment: This sequence change replaces arginine, which is basic and polar, with cysteine, which is neutral and slightly polar, at codon 1277 of the LRP4 protein (p.Arg1277Cys). This variant is present in population databases (no rsID available, gnomAD 0.0009%). This variant has not been reported in the literature in individuals affected with LRP4-related conditions. Algorithms developed to predict the effect of missense changes on protein structure and function (SIFT, PolyPhen-2, Align-GVGD) all suggest that this variant is likely to be disruptive. In summary, the available evidence is currently insufficient to determine the role of this variant in disease. Therefore, it has been classified as a Variant of Uncertain Significance.